The following is an entry in ClinVar:

NM_015158.5(KANK1):c.1877G>A (p.Arg626Gln)

Gene: KANK1 (KN motif and ankyrin repeat domains 1; plus strand). Cytogenetic location: 9p24.3.
Variant type: single nucleotide variant.
Coding change: c.1877G>A on transcript NM_015158.5 (MANE Select); coding-DNA position 1877, G replaced by A.
Protein change: p.Arg626Gln; replaces arginine 626 with glutamine.
Molecular consequence: missense variant. On other transcripts: non-coding transcript variant (1).
Genome position (GRCh38, 1-based): chr9:712,643, G>A. VCF-style: chr9-712643-G-A. GRCh37 (hg19) VCF-style: chr9-712643-G-A.
Other names: c.1877G>A, p.Arg626Gln (NM_001256876.3, NM_001256877.3, NM_001354331.2 and 2 more transcripts); c.1403G>A, p.Arg468Gln (NM_001354333.2, NM_001354335.2, NM_001354336.2 and 9 more transcripts); c.1877G>A (NM_015158.2); short protein forms R468Q, R626Q.
Identifiers: ClinVar variation 3717015 (VCV003717015.3).

ClinVar aggregate classification (germline): Conflicting classifications of pathogenicity. Review status: criteria provided, conflicting classifications (1 of 4 stars). 2 submissions from 2 submitters: Uncertain significance (1); Likely benign (1). Last evaluated 2025-12-09.

gnomAD v4.1: 20 of 1,614,000 alleles (0.0012%); highest among the groups gnomAD compares: African/African-American, 0.0093%; no homozygotes.

Submissions (2):

Ambry Genetics
Classification: Likely benign. Last evaluated: 2025-12-09. Review status: criteria provided, single submitter. Criteria: Ambry Variant Classification Scheme 2023. Collection method: clinical testing. Allele origin: germline.

Labcorp Genetics (formerly Invitae), Labcorp
Classification: Uncertain significance. Last evaluated: 2025-05-03. Review status: criteria provided, single submitter. Criteria: Invitae Variant Classification Sherloc (09022015). Collection method: clinical testing. Allele origin: germline.
Comment: This sequence change replaces arginine, which is basic and polar, with glutamine, which is neutral and polar, at codon 626 of the KANK1 protein (p.Arg626Gln). This variant is present in population databases (rs369482274, gnomAD 0.04%). This variant has not been reported in the literature in individuals affected with KANK1-related conditions. ClinVar contains an entry for this variant (Variation ID: 3717015). Invitae Evidence Modeling of protein sequence and biophysical properties (such as structural, functional, and spatial information, amino acid conservation, physicochemical variation, residue mobility, and thermodynamic stability) indicates that this missense variant is not expected to disrupt KANK1 protein function with a negative predictive value of 80%. In summary, the available evidence is currently insufficient to determine the role of this variant in disease. Therefore, it has been classified as a Variant of Uncertain Significance.